The following is an entry in ClinVar:

ClinVar aggregate classification (germline): Uncertain significance. Review status: criteria provided, multiple submitters, no conflicts (2 of 4 stars). 9 submissions from 9 submitters: Uncertain significance (7). 2 of the submissions do not count toward it. Last evaluated 2026-01-04.

Conditions:
Hereditary cancer-predisposing syndrome. Also called: Tumor predisposition; Hereditary Cancer Syndrome; Neoplastic Syndromes, Hereditary; Hereditary neoplastic syndrome. Identifiers: Orphanet 140162, MedGen C0027672, MeSH D009386, MONDO:0015356.
Familial cancer of breast. Also called: Hereditary breast cancer; BREAST CANCER, FAMILIAL; hereditary breast carcinoma. Identifiers: Orphanet 227535, MedGen C0346153, MONDO:0016419, OMIM 114480. Disease mechanism: loss of function.
Ataxia-telangiectasia syndrome (AT). Also called: Cerebello-oculocutaneous telangiectasia; Immunodeficiency with ataxia telangiectasia; Ataxia telangiectasia (A-T); LOUIS-BAR SYNDROME; ATAXIA-TELANGIECTASIA, COMPLEMENTATION GROUP A; ATAXIA-TELANGIECTASIA, FRESNO VARIANT. Identifiers: Orphanet 100, MedGen C0004135, MONDO:0008840, OMIM 208900.

Allele frequency attached by ClinVar (database versions not stated): TOPMed 0.00001.
gnomAD v4.1: 6 of 1,613,330 alleles (0.00037%); highest among the groups gnomAD compares: East Asian, 0.0045%; no homozygotes.

Submissions (9):

Labcorp Genetics (formerly Invitae), Labcorp
Classification: Uncertain significance for Ataxia-telangiectasia syndrome. Last evaluated: 2026-01-04. Review status: criteria provided, single submitter. Criteria: Invitae Variant Classification Sherloc (09022015). Collection method: clinical testing. Allele origin: germline.
Comment: This sequence change replaces arginine, which is basic and polar, with glutamine, which is neutral and polar, at codon 1875 of the ATM protein (p.Arg1875Gln). This variant is present in population databases (rs762304746, gnomAD 0.006%). This variant has not been reported in the literature in individuals affected with ATM-related conditions. ClinVar contains an entry for this variant (Variation ID: 216222). Invitae Evidence Modeling of protein sequence and biophysical properties (such as structural, functional, and spatial information, amino acid conservation, physicochemical variation, residue mobility, and thermodynamic stability) indicates that this missense variant is not expected to disrupt ATM protein function with a negative predictive value of 95%. In summary, the available evidence is currently insufficient to determine the role of this variant in disease. Therefore, it has been classified as a Variant of Uncertain Significance.

GeneDx
Classification: Uncertain significance. Last evaluated: 2025-07-28. Review status: criteria provided, single submitter. Criteria: GeneDx Variant Classification Process June 2021. Collection method: clinical testing. Allele origin: germline. Affected: yes.
Comment: Not observed at significant frequency in large population cohorts (gnomAD); In silico analysis suggests that this missense variant does not alter protein structure/function; This variant is associated with the following publications: (PMID: 30287823, 33471991, 36243179)

Color Diagnostics, LLC DBA Color Health
Classification: Uncertain significance for Hereditary cancer-predisposing syndrome. Last evaluated: 2024-08-19. Review status: criteria provided, single submitter. Criteria: ACMG Guidelines, 2015. Collection method: clinical testing. Allele origin: germline.
Comment: This missense variant replaces arginine with glutamine at codon 1875 of the ATM protein. Computational prediction suggests that this variant may not impact protein structure and function. To our knowledge, functional studies have not been reported for this variant. This variant has not been reported in individuals affected with hereditary cancer in the literature. This variant has been identified in 1/249510 chromosomes in the general population by the Genome Aggregation Database (gnomAD). The available evidence is insufficient to determine the role of this variant in disease conclusively. Therefore, this variant is classified as a Variant of Uncertain Significance.

Ambry Genetics
Classification: Uncertain significance for Hereditary cancer-predisposing syndrome. Last evaluated: 2024-07-08. Review status: criteria provided, single submitter. Criteria: Ambry Variant Classification Scheme 2023. Collection method: clinical testing. Allele origin: germline.
Comment: The p.R1875Q variant (also known as c.5624G>A), located in coding exon 36 of the ATM gene, results from a G to A substitution at nucleotide position 5624. The arginine at codon 1875 is replaced by glutamine, an amino acid with highly similar properties. This amino acid position is not well conserved in available vertebrate species. In addition, this alteration is predicted to be tolerated by in silico analysis. Based on the available evidence, the clinical significance of this variant remains unclear.

Baylor Genetics
Classification: Uncertain significance for Familial cancer of breast. Last evaluated: 2023-12-23. Review status: criteria provided, single submitter. Criteria: ACMG Guidelines, 2015. Collection method: clinical testing. Allele origin: unknown.

Department of Pathology and Laboratory Medicine, Sinai Health System
Classification: Uncertain significance for Familial cancer of breast. Last evaluated: 2022-03-01. Review status: criteria provided, single submitter. Criteria: ACMG Guidelines, 2015. Collection method: clinical testing. Allele origin: germline. Affected: yes.

Mendelics
Classification: Uncertain significance for Ataxia-telangiectasia syndrome. Last evaluated: 2019-05-28. Review status: criteria provided, single submitter. Criteria: Mendelics Assertion Criteria 2017. Collection method: clinical testing. Allele origin: unknown.

Natera, Inc.
Classification: Uncertain significance for Ataxia-telangiectasia. Last evaluated: 2020-09-16. Review status: no assertion criteria provided. Collection method: clinical testing. Allele origin: germline. Not counted in ClinVar's aggregate classification.

Counsyl
Classification: Uncertain significance for Ataxia-telangiectasia syndrome. Last evaluated: 2017-05-15. Review status: no assertion criteria provided. Collection method: clinical testing. Allele origin: unknown. Not counted in ClinVar's aggregate classification.

Literature cited by the submitters: PubMed 30287823 (cited by Ambry Genetics and Department of Pathology and Laboratory Medicine, Sinai Health System); PubMed 33471991 (cited by Department of Pathology and Laboratory Medicine, Sinai Health System).

NM_000051.4(ATM):c.5624G>A (p.Arg1875Gln)

Gene: ATM (ATM serine/threonine kinase; plus strand). Cytogenetic location: 11q22.3.
Variant type: single nucleotide variant.
Coding change: c.5624G>A on transcript NM_000051.4 (MANE Select); coding-DNA position 5624, G replaced by A.
Protein change: p.Arg1875Gln; replaces arginine 1875 with glutamine.
Molecular consequence: missense variant.
Genome position (GRCh38, 1-based): chr11:108,304,802, G>A. VCF-style: chr11-108304802-G-A. GRCh37 (hg19) VCF-style: chr11-108175529-G-A.
Other names: c.5624G>A, p.Arg1875Gln (NM_001351834.2); short protein forms R1875Q.
Identifiers: ClinVar variation 216222 (VCV000216222.25), dbSNP rs762304746, ClinGen allele CA339334.